The following is an entry in ClinVar:

NM_001035.3(RYR2):c.2118C>T (p.Tyr706=)

Gene: RYR2 (ryanodine receptor 2; plus strand). Cytogenetic location: 1q43.
Variant type: single nucleotide variant.
Coding change: c.2118C>T on transcript NM_001035.3 (MANE Select); coding-DNA position 2118, C replaced by T.
Protein change: p.Tyr706=; no amino-acid change (tyrosine 706 retained).
Molecular consequence: synonymous variant.
Genome position (GRCh38, 1-based): chr1:237,496,667, C>T. VCF-style: chr1-237496667-C-T. GRCh37 (hg19) VCF-style: chr1-237659967-C-T.
Identifiers: ClinVar variation 925369 (VCV000925369.13), dbSNP rs1431902945, ClinGen allele CA424030747.
Genomic context (GRCh38, chr1:237,496,667, plus strand): 5'-GACAGCTGAAGCAACTCACCTGCGAGTGGGCTGGGCTTCCACTGAAGGATATTCTCCCTA[C>T]CCTGGAGGGGGCGAAGAGTGGGGTGGAAATGGTGTTGGAGATGATCTCTTCTCCTATGGA-3'
Protein context (NP_001026.2, residues 696-716): GWASTEGYSP[Tyr706=]PGGGEEWGGN

ClinVar aggregate classification (germline): Likely benign. Review status: criteria provided, multiple submitters, no conflicts (2 of 4 stars). 3 submissions from 3 submitters: Likely benign (3). Last evaluated 2024-07-24.

Conditions:
Catecholaminergic polymorphic ventricular tachycardia (CVPT). Also called: Catecholamine-induced polymorphic ventricular tachycardia. Identifiers: Orphanet 3286, MedGen C5574922, MONDO:0017990.
Cardiomyopathy (CMYO). Also called: Cardiomyopathies. Identifiers: Orphanet 167848, MedGen C0878544, MONDO:0004994, HP:0001638. Inheritance: Various modes of inheritance.
Catecholaminergic polymorphic ventricular tachycardia 1. Also called: VENTRICULAR TACHYCARDIA, CATECHOLAMINERGIC POLYMORPHIC, 1, WITH OR WITHOUT ATRIAL DYSFUNCTION AND/OR DILATED CARDIOMYOPATHY; RYR2-Related Catecholaminergic Polymorphic Ventricular Tachycardia; VENTRICULAR TACHYCARDIA, STRESS-INDUCED POLYMORPHIC 1. Identifiers: Orphanet 3286, MedGen C1631597, MONDO:0011484, OMIM 604772.

Allele frequency attached by ClinVar (database versions not stated): gnomAD exomes below 0.00001; gnomAD 0.00001; TOPMed 0.00001; 1000 Genomes Project 30x 0.00016.
gnomAD v4.1: 9 of 1,613,952 alleles (0.00056%); highest among the groups gnomAD compares: South Asian, 0.0033%; no homozygotes.

Submissions (3):

Labcorp Genetics (formerly Invitae), Labcorp
Classification: Likely benign for Catecholaminergic polymorphic ventricular tachycardia 1. Last evaluated: 2024-07-24. Review status: criteria provided, single submitter. Criteria: Invitae Variant Classification Sherloc (09022015). Collection method: clinical testing. Allele origin: germline.

All of Us Research Program, National Institutes of Health
Classification: Likely benign for Catecholaminergic polymorphic ventricular tachycardia. Last evaluated: 2023-08-15. Review status: criteria provided, single submitter. Criteria: ACMG Guidelines, 2015. Collection method: clinical testing. Allele origin: germline. Inheritance: Autosomal dominant inheritance. Observed: 1 variant allele, 1 heterozygote.
Comment: This study involves interpretation of variants in research participants for the purpose of population health screening. Participant phenotype was not available at the time of variant classification. Additional details can be found in publication PMID: 35346344, PMCID: PMC8962531

Color Diagnostics, LLC DBA Color Health
Classification: Likely benign for Cardiomyopathy. Last evaluated: 2019-07-15. Review status: criteria provided, single submitter. Criteria: ACMG Guidelines, 2015. Collection method: clinical testing. Allele origin: germline.